The following is an entry in ClinVar:

NM_002887.4(RARS1):c.5A>G (p.Asp2Gly)

Gene: RARS1 (arginyl-tRNA synthetase 1; plus strand). Cytogenetic location: 5q34.
Variant type: single nucleotide variant.
Coding change: c.5A>G on transcript NM_002887.4 (MANE Select); coding-DNA position 5, A replaced by G.
Protein change: p.Asp2Gly; replaces aspartic acid 2 with glycine.
Molecular consequence: missense variant.
Genome position (GRCh38, 1-based): chr5:168,486,503, A>G. VCF-style: chr5-168486503-A-G. GRCh37 (hg19) VCF-style: chr5-167913508-A-G.
Other names: short protein forms D2G.
Identifiers: ClinVar variation 162080 (VCV000162080.10), dbSNP rs672601372, ClinGen allele CA214533.

ClinVar aggregate classification (germline): Pathogenic/Likely pathogenic. Review status: criteria provided, multiple submitters, no conflicts (2 of 4 stars). 5 submissions from 5 submitters: Pathogenic (2); Likely pathogenic (1). 2 of the submissions do not count toward it. Last evaluated 2025-10-02.

Conditions:
RARS-related disorders.
Leukodystrophy, hypomyelinating, 9. Identifiers: Orphanet 438114, MedGen C4015323, MONDO:0014506, OMIM 616140.

Allele frequency attached by ClinVar (database versions not stated): gnomAD 0.00003; gnomAD exomes 0.00004; TOPMed 0.00005; ExAC 0.00013.
gnomAD v4.1: 44 of 1,558,898 alleles (0.0028%); highest among the groups gnomAD compares: African/African-American, 0.0041%; no homozygotes.

Submissions (5):

Labcorp Genetics (formerly Invitae), Labcorp
Classification: Pathogenic. Last evaluated: 2025-10-02. Review status: criteria provided, single submitter. Criteria: Invitae Variant Classification Sherloc (09022015). Collection method: clinical testing. Allele origin: germline.
Comment: This sequence change replaces aspartic acid, which is acidic and polar, with glycine, which is neutral and non-polar, at codon 2 of the RARS protein (p.Asp2Gly). This variant is present in population databases (rs672601372, gnomAD 0.008%). This missense change has been observed in individual(s) with leukodystrophy (PMID: 24777941, 28905880). In at least one individual the data is consistent with being in trans (on the opposite chromosome) from a pathogenic variant. It has also been observed to segregate with disease in related individuals. ClinVar contains an entry for this variant (Variation ID: 162080). An algorithm developed to predict the effect of missense changes on protein structure and function (PolyPhen-2) suggests that this variant is likely to be tolerated. For these reasons, this variant has been classified as Pathogenic.

Blueprint Genetics
Classification: Likely pathogenic for RARS-related disorders. Last evaluated: 2022-09-22. Review status: criteria provided, single submitter. Criteria: ACMG Guidelines, 2015. Collection method: clinical testing. Allele origin: germline. Affected: yes. Observed: 5 variant alleles.

Broad Center for Mendelian Genomics, Broad Institute of MIT and Harvard
Classification: Pathogenic for Leukodystrophy, hypomyelinating, 9. Last evaluated: 2018-11-15. Review status: criteria provided, single submitter. Criteria: ACMG Guidelines, 2015. Collection method: research. Allele origin: germline. Inheritance: Autosomal recessive inheritance. Affected: yes. Clinical features observed: Abnormality of brain morphology.
Comment: Functional studies have shown that this variant causes severely reduced function of the protein complex (Nafisinia et al. 2017, PMID: 28905880; Wolf et al. 2014, PMID: 24777941). This variant has been identified in <0.01% (6/190228) of European (Non-Finnish) chromosomes by the Genome Aggregation Database (gnomAD; dbSNP rs672601372). Although this variant has been seen in the general population, its frequency is low enough to be consistent with a recessive carrier frequency. Computational prediction tools and conservation analyses suggest that this variant may impact the protein. In summary, this variant meets criteria to be classified as pathogenic for Hypomyelinating Leukodystrophy in an autosomal recessive manner based on in vitro functional studies and multiple reports of individuals with this variant and Hypomyelinating Leukodrystrophy in the literature.

OMIM
Classification: Pathogenic for LEUKODYSTROPHY, HYPOMYELINATING, 9. Last evaluated: 2014-04-29. Review status: no assertion criteria provided. Collection method: literature only. Allele origin: germline. Not counted in ClinVar's aggregate classification.

Baylor-Hopkins Center for Mendelian Genomics, Johns Hopkins University School of Medicine
Classification: Pathogenic for Leukodystrophy, hypomyelinating, 9. Review status: no assertion criteria provided. Collection method: research. Allele origin: germline. Affected: yes. Observed: 2 homozygotes. Not counted in ClinVar's aggregate classification.

Literature cited by the submitters: PubMed 24777941 (cited by 3 submitters); PubMed 28905880 (cited by 4 submitters).